The following is an entry in ClinVar:

ClinVar aggregate classification (germline): Uncertain significance (1 of 4 stars; one submission).

Allele frequency attached by ClinVar (database versions not stated): gnomAD exomes below 0.00001.
gnomAD v4.1: 1 of 1,519,550 alleles (0.000066%); highest among the groups gnomAD compares: South Asian, 0.0013%; no homozygotes.

Submission:

Labcorp Genetics (formerly Invitae), Labcorp
Classification: Uncertain significance. Last evaluated: 2022-04-28. Review status: criteria provided, single submitter. Criteria: Invitae Variant Classification Sherloc (09022015). Collection method: clinical testing. Allele origin: germline.
Comment: In summary, the available evidence is currently insufficient to determine the role of this variant in disease. Therefore, it has been classified as a Variant of Uncertain Significance. Advanced modeling of protein sequence and biophysical properties (such as structural, functional, and spatial information, amino acid conservation, physicochemical variation, residue mobility, and thermodynamic stability) performed at Invitae indicates that this missense variant is not expected to disrupt CPLANE1 protein function. This variant has not been reported in the literature in individuals affected with CPLANE1-related conditions. This variant is present in population databases (no rsID available, gnomAD 0.006%). This sequence change replaces leucine, which is neutral and non-polar, with valine, which is neutral and non-polar, at codon 876 of the CPLANE1 protein (p.Leu876Val).

NM_001384732.1(CPLANE1):c.2626C>G (p.Leu876Val)

Gene: CPLANE1 (ciliogenesis and planar polarity effector complex subunit 1; minus strand). Cytogenetic location: 5p13.2.
Variant type: single nucleotide variant.
Coding change: c.2626C>G on transcript NM_001384732.1 (MANE Select); coding-DNA position 2626, C replaced by G.
Protein change: p.Leu876Val; replaces leucine 876 with valine.
Molecular consequence: missense variant.
Genome position (GRCh38, 1-based): chr5:37,221,444, G>C on the plus strand (C>G on the coding strand, the complement: CPLANE1 is on the minus strand). VCF-style: chr5-37221444-G-C. GRCh37 (hg19) VCF-style: chr5-37221546-G-C.
Other names: c.2626C>G, p.Leu876Val (NM_023073.4); short protein forms L876V.
Identifiers: ClinVar variation 2158516 (VCV002158516.4), dbSNP rs1437781015, ClinGen allele CA359488975.